The following is an entry in ClinVar:

ClinVar aggregate classification (germline): Uncertain significance (1 of 4 stars; one submission).

Submission:

New York Genome Center
Classification: Uncertain significance. Last evaluated: 2021-07-23. Review status: criteria provided, single submitter. Criteria: NYGC Assertion Criteria 2020. Collection method: clinical testing. Allele origin: germline. Observed: 1 variant allele. Study: CSER-NYCKidSeq.
Comment: The approximately 918KB duplication observed at 9p24.1 is absent from gnomAD SVs (v2.1) and the database of genomic variants (DGV), suggesting it is not a common benign variant in the populations represented in those databases. The exact duplication observed here has not been reported in available databases, however duplications contained within or partially overlapping the one identified here have been reported in individuals with neurodevelopmental disorders [PMID:23731025, 21841781], however in at least one case the duplication was found to be inherited from a presumably unaffected parent [PMID:23731025]. Given the lack of compelling evidence for its pathogenicity the 9p24.1 duplication identified here is reported as a Variant of Uncertain Significance.

Single allele

Genes: CD274 (CD274 molecule; plus strand), ERMP1 (endoplasmic reticulum metallopeptidase 1; minus strand), INCR1 (interferon stimulated noncoding RNA 1; minus strand), INSL4 (insulin like 4; plus strand), INSL6 (insulin like 6; minus strand) and 42 more. Cytogenetic location: 9p24.1.
Variant type: Duplication.
Identifiers: ClinVar variation 1696626 (VCV001696626.1).